The following is an entry in ClinVar:

NM_000574.5(CD55):c.367dup (p.Thr123fs)

Gene: CD55 (CD55 molecule (Cromer blood group); plus strand). Cytogenetic location: 1q32.2.
Variant type: Duplication.
Coding change: c.367dup on transcript NM_000574.5 (MANE Select); coding-DNA position 367, one base duplicated (A; older notation c.367dupA).
Protein change: p.Thr123fs; shifts the reading frame from threonine 123.
Molecular consequence: frameshift variant. On other transcripts: non-coding transcript variant (1).
Genome position (GRCh38, 1-based): chr1:207,324,639, A duplicated. VCF-style (leftmost placement, unchanged base first): chr1-207324638-T-TA. GRCh37 (hg19) VCF-style: chr1-207497983-T-TA.
Other names: c.367dup, p.Thr123fs (NM_001114752.3, NM_001300902.2, NM_001300903.2 and 1 more transcripts); short protein forms T123fs.
Identifiers: ClinVar variation 4292759 (VCV004292759.1).

ClinVar aggregate classification (germline): Pathogenic (1 of 4 stars; one submission).

Conditions:
Complement hyperactivation-angiopathic thrombosis-protein-losing enteropathy syndrome. Also called: COMPLEMENT HYPERACTIVATION, ANGIOPATHIC THROMBOSIS, AND PROTEIN-LOSING ENTEROPATHY. Identifiers: Orphanet 566175, MedGen C4538570, MONDO:0009174, OMIM 226300.

Submission:

3billion
Classification: Pathogenic for Complement hyperactivation-angiopathic thrombosis-protein-losing enteropathy syndrome. Last evaluated: 2024-07-04. Review status: criteria provided, single submitter. Criteria: ACMG Guidelines, 2015. Collection method: clinical testing. Allele origin: germline. Affected: yes.
Comment: The variant is not observed in the gnomAD v4.0.0 dataset. Predicted Consequence/Location: Frameshift: predicted to result in a loss or disruption of normal protein function through nonsense-mediated decay (NMD) or protein truncation. Multiple pathogenic variants are reported downstream of the variant. The variant has been reported to be associated with CD55-related disorder (PMID: 28657829). Therefore, this variant is classified as Pathogenic according to the recommendation of ACMG/AMP guideline.

Literature cited by the submitters: PubMed 28657829.